The following is an entry in ClinVar:

ClinVar aggregate classification (germline): Pathogenic (1 of 4 stars; one submission).

Conditions:
Dilated cardiomyopathy 1G (CMD1G). Identifiers: Orphanet 154, MedGen C1858763, MONDO:0011400, OMIM 604145.

Submission:

Center of Genomic medicine, Geneva, University Hospital of Geneva
Classification: Pathogenic for Dilated cardiomyopathy 1G. Last evaluated: 2016-11-21. Review status: criteria provided, single submitter. Criteria: ACMG Guidelines, 2015. Collection method: clinical testing. Allele origin: maternal. Affected: yes.

NM_001267550.2(TTN):c.29094_29095del (p.Phe9700fs)

Gene: TTN (titin; minus strand). Cytogenetic location: 2q31.2.
Variant type: Microsatellite.
Coding change: c.29094_29095del on transcript NM_001267550.2 (MANE Select); coding-DNA positions 29094 to 29095, 2 bases deleted (CT; older notation c.29094_29095delCT).
Protein change: p.Phe9700fs; shifts the reading frame from phenylalanine 9700.
Molecular consequence: frameshift variant. On other transcripts: intron variant (3).
Genome position (GRCh38, 1-based): chr2:178,706,901-178,706,902, AG deleted on the plus strand (CT on the coding strand, the reverse complement: TTN is on the minus strand); deleting any 2 consecutive bases within chr2:178,706,901-178,706,904 gives the same sequence; the c. name uses the placement nearest the transcript's 3' end. VCF-style (leftmost placement, unchanged base first): chr2-178706900-AAG-A. GRCh37 (hg19) VCF-style: chr2-179571627-AAG-A.
Other names: c.28143_28144del, p.Phe9383fs (NM_001256850.1); c.25362_25363del, p.Phe8456fs (NM_133378.4); c.13282+31180_13282+31181del (NM_003319.4); c.13858+31180_13858+31181del (NM_133437.4); c.13657+31180_13657+31181del (NM_133432.3); short protein forms F8456fs, F9383fs, F9700fs.
Identifiers: ClinVar variation 437408 (VCV000437408.2), dbSNP rs1553882262, ClinGen allele CA645372370.